The following is an entry in ClinVar:

ClinVar aggregate classification (germline): Uncertain significance (1 of 4 stars; one submission).

Conditions:
Epilepsy, familial adult myoclonic, 5 (EPEO5). Also called: CORTICAL MYOCLONIC TREMOR WITH EPILEPSY, FAMILIAL, 5. Identifiers: Orphanet 86814, MedGen C3809374, MONDO:0014167, OMIM 615400.

Submission:

Labcorp Genetics (formerly Invitae), Labcorp
Classification: Uncertain significance for Epilepsy, familial adult myoclonic, 5. Last evaluated: 2020-05-24. Review status: criteria provided, single submitter. Criteria: Invitae Variant Classification Sherloc (09022015). Collection method: clinical testing. Allele origin: germline.
Comment: This sequence change replaces alanine with threonine at codon 890 of the CNTN2 protein (p.Ala890Thr). The alanine residue is highly conserved and there is a small physicochemical difference between alanine and threonine. This variant is not present in population databases (ExAC no frequency). This variant has not been reported in the literature in individuals with CNTN2-related conditions. Algorithms developed to predict the effect of missense changes on protein structure and function are either unavailable or do not agree on the potential impact of this missense change (SIFT: "Deleterious"; PolyPhen-2: "Probably Damaging"; Align-GVGD: "Class C0"). In summary, the available evidence is currently insufficient to determine the role of this variant in disease. Therefore, it has been classified as a Variant of Uncertain Significance.

NM_005076.5(CNTN2):c.2668G>A (p.Ala890Thr)

Gene: CNTN2 (contactin 2; plus strand). Cytogenetic location: 1q32.1.
Variant type: single nucleotide variant.
Coding change: c.2668G>A on transcript NM_005076.5 (MANE Select); coding-DNA position 2668, G replaced by A.
Protein change: p.Ala890Thr; replaces alanine 890 with threonine.
Molecular consequence: missense variant. On other transcripts: non-coding transcript variant (1).
Genome position (GRCh38, 1-based): chr1:205,072,070, G>A. VCF-style: chr1-205072070-G-A. GRCh37 (hg19) VCF-style: chr1-205041198-G-A.
Other names: c.2668G>A, p.Ala890Thr (NM_001346083.2); short protein forms A890T.
Identifiers: ClinVar variation 1061007 (VCV001061007.9), dbSNP rs2151200043, ClinGen allele CA344381330.